The following is an entry in ClinVar:

ClinVar aggregate classification (germline): Uncertain significance (1 of 4 stars; one submission).

Conditions:
Hereditary cancer-predisposing syndrome. Also called: Neoplastic Syndromes, Hereditary; Tumor predisposition; Hereditary neoplastic syndrome; Hereditary Cancer Syndrome. Identifiers: Orphanet 140162, MedGen C0027672, MeSH D009386, MONDO:0015356.

Submission:

Ambry Genetics
Classification: Uncertain significance for Hereditary cancer-predisposing syndrome. Last evaluated: 2026-09-01. Review status: criteria provided, single submitter. Criteria: Ambry Variant Classification Scheme 2023. Collection method: clinical testing. Allele origin: germline.
Comment: The p.G540R variant (also known as c.1618G>C), located in coding exon 12 of the POLD1 gene, results from a G to C substitution at nucleotide position 1618. The glycine at codon 540 is replaced by arginine, an amino acid with dissimilar properties. This amino acid position is well conserved in available vertebrate species. In addition, this alteration is predicted to be deleterious by in silico analysis. Based on the available evidence, the clinical significance of this variant remains unclear.

NM_002691.4(POLD1):c.1618G>C (p.Gly540Arg)

Gene: POLD1 (DNA polymerase delta 1, catalytic subunit; plus strand). Cytogenetic location: 19q13.33.
Variant type: single nucleotide variant.
Coding change: c.1618G>C on transcript NM_002691.4 (MANE Select); coding-DNA position 1618, G replaced by C.
Protein change: p.Gly540Arg; replaces glycine 540 with arginine.
Molecular consequence: missense variant. On other transcripts: non-coding transcript variant (1).
Genome position (GRCh38, 1-based): chr19:50,407,106, G>C. VCF-style: chr19-50407106-G-C. GRCh37 (hg19) VCF-style: chr19-50910363-G-C.
Other names: c.1618G>C, p.Gly540Arg (NM_001256849.1, NM_001308632.1, NM_001438210.1 and 3 more transcripts); short protein forms G540R.
Identifiers: ClinVar variation 5027010 (VCV005027010.1).
Genomic context (GRCh38, chr19:50,407,106, plus strand): 5'-CTGCGGCTGCTGGAGCGGCTCATGGTGCTGGTGAACGCCGTGGAGATGGCGAGGGTCACT[G>C]GCGTGCCCCTCAGCTACCTGCTCAGTCGTGGCCAGCAGGTCAAGGTCGTATCCCAGCTGT-3'
Protein context (NP_002682.2, residues 530-550): VNAVEMARVT[Gly540Arg]VPLSYLLSRG